The following is an entry in ClinVar:

NM_012335.4(MYO1F):c.558G>A (p.Lys186=)

Gene: MYO1F (myosin IF; minus strand). Cytogenetic location: 19p13.2.
Variant type: single nucleotide variant.
Coding change: c.558G>A on transcript NM_012335.4 (MANE Select); coding-DNA position 558, G replaced by A.
Protein change: p.Lys186=; no amino-acid change (lysine 186 retained).
Molecular consequence: synonymous variant.
Genome position (GRCh38, 1-based): chr19:8,552,111, C>T on the plus strand (G>A on the coding strand, the complement: MYO1F is on the minus strand). VCF-style: chr19-8552111-C-T. GRCh37 (hg19) VCF-style: chr19-8616995-C-T.
Other names: c.558G>A, p.Lys186= (NM_001348355.2).
Identifiers: ClinVar variation 515552 (VCV000515552.6), dbSNP rs184748543, ClinGen allele CA9159629.

ClinVar aggregate classification (germline): Benign/Likely benign. Review status: criteria provided, multiple submitters, no conflicts (2 of 4 stars). 3 submissions from 3 submitters: Benign (1); Likely benign (2). Last evaluated 2019-12-31.

Allele frequency attached by ClinVar (database versions not stated): 1000 Genomes Project 30x 0.00094; 1000 Genomes Project 0.00120; TOPMed 0.00233; gnomAD 0.00291 and 0.00305; ESP Exome Variant Server 0.00299; ExAC 0.00306; gnomAD exomes 0.00314 and 0.00384.
gnomAD v4.1: 5,999 of 1,614,110 alleles (0.37%); highest among the groups gnomAD compares: Non-Finnish European, 0.43%; 11 homozygotes.

Submissions (3):

Labcorp Genetics (formerly Invitae), Labcorp
Classification: Benign. Last evaluated: 2019-12-31. Review status: criteria provided, single submitter. Criteria: Invitae Variant Classification Sherloc (09022015). Collection method: clinical testing. Allele origin: germline.

GeneDx
Classification: Likely benign. Last evaluated: 2018-02-23. Review status: criteria provided, single submitter. Criteria: GeneDx Variant Classification (06012015). Collection method: clinical testing. Allele origin: germline. Affected: yes.
Comment: This variant is considered likely benign or benign based on one or more of the following criteria: it is a conservative change, it occurs at a poorly conserved position in the protein, it is predicted to be benign by multiple in silico algorithms, and/or has population frequency not consistent with disease.

Breakthrough Genomics
Classification: Likely benign. Review status: criteria provided, single submitter. Criteria: ACMG Guidelines, 2015. Collection method: not provided. Allele origin: germline. Inheritance: Unknown mechanism. Affected: yes.